The following is an entry in ClinVar:

ClinVar aggregate classification (germline): Uncertain significance (1 of 4 stars; one submission).

Conditions:
Peutz-Jeghers syndrome (PJS). Also called: POLYPOSIS, HAMARTOMATOUS INTESTINAL; POLYPS-AND-SPOTS SYNDROME; Peutz-Jeghers polyposis; Periorificial lentiginosis syndrome. Identifiers: Orphanet 2869, MedGen C0031269, MeSH D010580, MONDO:0008280, OMIM 175200.

Submission:

Labcorp Genetics (formerly Invitae), Labcorp
Classification: Uncertain significance for Peutz-Jeghers syndrome. Last evaluated: 2024-09-16. Review status: criteria provided, single submitter. Criteria: Invitae Variant Classification Sherloc (09022015). Collection method: clinical testing. Allele origin: germline.
Comment: This sequence change replaces glutamic acid, which is acidic and polar, with aspartic acid, which is acidic and polar, at codon 121 of the STK11 protein (p.Glu121Asp). This variant is not present in population databases (gnomAD no frequency). This variant has not been reported in the literature in individuals affected with STK11-related conditions. Invitae Evidence Modeling of protein sequence and biophysical properties (such as structural, functional, and spatial information, amino acid conservation, physicochemical variation, residue mobility, and thermodynamic stability) has been performed for this missense variant. However, the output from this modeling did not meet the statistical confidence thresholds required to predict the impact of this variant on STK11 protein function. In summary, the available evidence is currently insufficient to determine the role of this variant in disease. Therefore, it has been classified as a Variant of Uncertain Significance.

NM_000455.5(STK11):c.363G>C (p.Glu121Asp)

Gene: STK11 (serine/threonine kinase 11; plus strand). Cytogenetic location: 19p13.3.
Variant type: single nucleotide variant.
Coding change: c.363G>C on transcript NM_000455.5 (MANE Select); coding-DNA position 363, G replaced by C.
Protein change: p.Glu121Asp; replaces glutamic acid 121 with aspartic acid.
Molecular consequence: missense variant. On other transcripts: non-coding transcript variant (1).
Genome position (GRCh38, 1-based): chr19:1,218,489, G>C. VCF-style: chr19-1218489-G-C. GRCh37 (hg19) VCF-style: chr19-1218488-G-C.
Other names: c.363G>C, p.Glu121Asp (NM_001407255.1); short protein forms E121D.
Identifiers: ClinVar variation 3717450 (VCV003717450.2).
Genomic context (GRCh38, chr19:1,218,489, plus strand): 5'-ACTGAGGAGGTTACGGCACAAAAATGTCATCCAGCTGGTGGATGTGTTATACAACGAAGA[G>C]AAGCAGAAAATATATCCTTTCCGGTGTTGGGACCGCGGGGCCTCCGTGGGAGGGGCTGGG-3'
Protein context (NP_000446.1, residues 111-131): IQLVDVLYNE[Glu121Asp]KQKMYMVMEY